The following is an entry in ClinVar:

NM_006904.7(PRKDC):c.11956C>T (p.His3986Tyr)

Gene: PRKDC (protein kinase, DNA-activated, catalytic subunit; minus strand). Cytogenetic location: 8q11.21.
Variant type: single nucleotide variant.
Coding change: c.11956C>T on transcript NM_006904.7 (MANE Select); coding-DNA position 11956, C replaced by T.
Protein change: p.His3986Tyr; replaces histidine 3986 with tyrosine.
Molecular consequence: missense variant.
Genome position (GRCh38, 1-based): chr8:47,777,772, G>A on the plus strand (C>T on the coding strand, the complement: PRKDC is on the minus strand). VCF-style: chr8-47777772-G-A. GRCh37 (hg19) VCF-style: chr8-48690333-G-A.
Other names: c.11863C>T, p.His3955Tyr (NM_001081640.2); short protein forms H3955Y, H3986Y.
Identifiers: ClinVar variation 1513769 (VCV001513769.6), dbSNP rs2086630732, ClinGen allele CA371128182.

ClinVar aggregate classification (germline): Uncertain significance (1 of 4 stars; one submission).

Conditions:
Severe combined immunodeficiency due to DNA-PKcs deficiency. Also called: IMMUNODEFICIENCY 26 WITH NEUROLOGIC ABNORMALITIES; Immunodeficiency 26 with or without neurologic abnormalities. Identifiers: Orphanet 317425, MedGen C4014833, MONDO:0014423, OMIM 615966.

Allele frequency attached by ClinVar (database versions not stated): TOPMed below 0.00001; gnomAD exomes 0.00001.
gnomAD v4.1: 4 of 1,613,946 alleles (0.00025%); highest among the groups gnomAD compares: Middle Eastern, 0.049%; 1 homozygote.

Submission:

Labcorp Genetics (formerly Invitae), Labcorp
Classification: Uncertain significance for Severe combined immunodeficiency due to DNA-PKcs deficiency. Last evaluated: 2022-08-15. Review status: criteria provided, single submitter. Criteria: Invitae Variant Classification Sherloc (09022015). Collection method: clinical testing. Allele origin: germline.
Comment: In summary, the available evidence is currently insufficient to determine the role of this variant in disease. Therefore, it has been classified as a Variant of Uncertain Significance. Experimental studies and prediction algorithms are not available or were not evaluated, and the functional significance of this variant is currently unknown. ClinVar contains an entry for this variant (Variation ID: 1513769). This variant has not been reported in the literature in individuals affected with PRKDC-related conditions. This variant is not present in population databases (gnomAD no frequency). This sequence change replaces histidine, which is basic and polar, with tyrosine, which is neutral and polar, at codon 3986 of the PRKDC protein (p.His3986Tyr).